The following is an entry in ClinVar:

NM_004369.4(COL6A3):c.7796_7797del (p.Phe2599fs)

Gene: COL6A3 (collagen type VI alpha 3 chain; minus strand). Cytogenetic location: 2q37.3.
Variant type: Deletion.
Coding change: c.7796_7797del on transcript NM_004369.4 (MANE Select); coding-DNA positions 7796 to 7797, 2 bases deleted (TT; older notation c.7796_7797delTT).
Protein change: p.Phe2599fs; shifts the reading frame from phenylalanine 2599.
Molecular consequence: frameshift variant.
Genome position (GRCh38, 1-based): chr2:237,341,119-237,341,120, AA deleted on the plus strand (TT on the coding strand, the reverse complement: COL6A3 is on the minus strand); deleting any 2 consecutive bases within chr2:237,341,119-237,341,121 gives the same sequence; the c. name uses the placement nearest the transcript's 3' end. VCF-style (leftmost placement, unchanged base first): chr2-237341118-CAA-C. GRCh37 (hg19) VCF-style: chr2-238249761-CAA-C.
Other names: c.5975_5976del, p.Phe1992fs (NM_057166.5); c.7178_7179del, p.Phe2393fs (NM_057167.4); short protein forms F2599fs, F2393fs, F1992fs.
Identifiers: ClinVar variation 283441 (VCV000283441.16), dbSNP rs886042623, ClinGen allele CA10604490.

ClinVar aggregate classification (germline): Pathogenic. Review status: criteria provided, multiple submitters, no conflicts (2 of 4 stars). 3 submissions from 3 submitters: Pathogenic (3). Last evaluated 2025-10-26.

Conditions:
Bethlem myopathy 1A. Also called: Bethlem myopathy 1; MYOPATHY, BENIGN CONGENITAL, WITH CONTRACTURES; Bethlem Muscular Dystrophy. Identifiers: Orphanet 610, MedGen CN029274, MONDO:0024530, OMIM 158810.

Submissions (3):

Labcorp Genetics (formerly Invitae), Labcorp
Classification: Pathogenic for Bethlem myopathy 1A. Last evaluated: 2025-10-26. Review status: criteria provided, single submitter. Criteria: Invitae Variant Classification Sherloc (09022015). Collection method: clinical testing. Allele origin: germline.
Comment: This sequence change creates a premature translational stop signal (p.Phe2599Trpfs*29) in the COL6A3 gene. It is expected to result in an absent or disrupted protein product. Loss-of-function variants in COL6A3 are known to be pathogenic (PMID: 26004199). This variant is not present in population databases (gnomAD no frequency). This variant has not been reported in the literature in individuals affected with COL6A3-related conditions. ClinVar contains an entry for this variant (Variation ID: 283441). For these reasons, this variant has been classified as Pathogenic.

Revvity Omics, Revvity
Classification: Pathogenic. Last evaluated: 2019-11-14. Review status: criteria provided, single submitter. Criteria: ACMG Guidelines, 2015. Collection method: clinical testing. Allele origin: germline.

Eurofins Ntd Llc (ga)
Classification: Pathogenic. Last evaluated: 2015-09-22. Review status: criteria provided, single submitter. Criteria: EGL Classification Definitions 2015. Collection method: clinical testing. Allele origin: germline. Observed: 2 variant alleles, 2 heterozygotes.

Literature cited by the submitters: PubMed 26004199 (cited by Labcorp Genetics (formerly Invitae), Labcorp).